The following is an entry in ClinVar:

ClinVar aggregate classification (germline): Likely benign (0 of 4 stars; one submission).

Conditions:
EPPK1-related disorder. Also called: EPPK1-related condition.

Allele frequency attached by ClinVar (database versions not stated): gnomAD 0.00001; 1000 Genomes Project 30x 0.00031; 1000 Genomes Project 0.00040.
gnomAD v4.1: 5 of 1,603,204 alleles (0.00031%); highest among the groups gnomAD compares: East Asian, 0.011%; no homozygotes.

Submission:

PreventionGenetics, part of Exact Sciences
Classification: Likely benign for EPPK1-related condition. Last evaluated: 2023-02-21. Review status: no assertion criteria provided. Collection method: clinical testing. Allele origin: germline.
Comment: This variant is classified as likely benign based on ACMG/AMP sequence variant interpretation guidelines (Richards et al. 2015 PMID: 25741868, with internal and published modifications).

NM_031308.4(EPPK1):c.4650G>A (p.Gly1550=)

Gene: EPPK1 (epiplakin 1; minus strand). Cytogenetic location: 8q24.3.
Variant type: single nucleotide variant.
Coding change: c.4650G>A on transcript NM_031308.4 (MANE Select); coding-DNA position 4650, G replaced by A.
Protein change: p.Gly1550=; no amino-acid change (glycine 1550 retained).
Molecular consequence: synonymous variant.
Genome position (GRCh38, 1-based): chr8:143,868,604, C>T on the plus strand (G>A on the coding strand, the complement: EPPK1 is on the minus strand). VCF-style: chr8-143868604-C-T. GRCh37 (hg19) VCF-style: chr8-144942772-C-T.
Identifiers: ClinVar variation 3044993 (VCV003044993.2), dbSNP rs186732658, ClinGen allele CA187615819.